The following is an entry in ClinVar:

ClinVar aggregate classification (germline): Uncertain significance. Review status: criteria provided, multiple submitters, no conflicts (2 of 4 stars). 2 submissions from 2 submitters: Uncertain significance (2). Last evaluated 2024-10-27.

Conditions:
Inborn genetic diseases. Identifiers: MedGen C0950123, MeSH D030342.
Centromeric instability of chromosomes 1,9 and 16 and immunodeficiency (ICF1). Also called: Immunodeficiency-centromeric instability-facial anomalies; CENTROMERIC INSTABILITY, IMMUNODEFICIENCY SYNDROME; IMMUNE DEFICIENCY, VARIABLE, WITH CENTROMERIC INSTABILITY OF CHROMOSOMES 1, 9, AND 16; IMMUNODEFICIENCY SYNDROME, VARIABLE. Identifiers: Orphanet 2268, MedGen C0398788, MONDO:0000133.

Allele frequency attached by ClinVar (database versions not stated): ExAC 0.00001; gnomAD exomes 0.00002; TOPMed 0.00003; gnomAD 0.00005.
gnomAD v4.1: 35 of 1,614,142 alleles (0.0022%); highest among the groups gnomAD compares: Admixed American, 0.0033%; no homozygotes.

Submissions (2):

Labcorp Genetics (formerly Invitae), Labcorp
Classification: Uncertain significance for Centromeric instability of chromosomes 1,9 and 16 and immunodeficiency. Last evaluated: 2024-10-27. Review status: criteria provided, single submitter. Criteria: Invitae Variant Classification Sherloc (09022015). Collection method: clinical testing. Allele origin: germline.
Comment: This sequence change replaces arginine, which is basic and polar, with tryptophan, which is neutral and slightly polar, at codon 148 of the DNMT3B protein (p.Arg148Trp). This variant is present in population databases (rs745506485, gnomAD 0.003%). This variant has not been reported in the literature in individuals affected with DNMT3B-related conditions. ClinVar contains an entry for this variant (Variation ID: 2160932). Invitae Evidence Modeling of protein sequence and biophysical properties (such as structural, functional, and spatial information, amino acid conservation, physicochemical variation, residue mobility, and thermodynamic stability) indicates that this missense variant is not expected to disrupt DNMT3B protein function with a negative predictive value of 95%. In summary, the available evidence is currently insufficient to determine the role of this variant in disease. Therefore, it has been classified as a Variant of Uncertain Significance.

Ambry Genetics
Classification: Uncertain significance for Inborn genetic diseases. Last evaluated: 2023-02-15. Review status: criteria provided, single submitter. Criteria: Ambry Variant Classification Scheme 2023. Collection method: clinical testing. Allele origin: germline.

NM_006892.4(DNMT3B):c.442C>T (p.Arg148Trp)

Gene: DNMT3B (DNA methyltransferase 3 beta; plus strand). Cytogenetic location: 20q11.21.
Variant type: single nucleotide variant.
Coding change: c.442C>T on transcript NM_006892.4 (MANE Select); coding-DNA position 442, C replaced by T.
Protein change: p.Arg148Trp; replaces arginine 148 with tryptophan.
Molecular consequence: missense variant.
Genome position (GRCh38, 1-based): chr20:32,787,239, C>T. VCF-style: chr20-32787239-C-T. GRCh37 (hg19) VCF-style: chr20-31375045-C-T.
Other names: c.316C>T, p.Arg106Trp (NM_001207055.2); c.214C>T, p.Arg72Trp (NM_001207056.2); c.442C>T, p.Arg148Trp (NM_175848.2, NM_175849.2); c.478C>T, p.Arg160Trp (NM_175850.3); short protein forms R106W, R160W, R148W, R72W.
Identifiers: ClinVar variation 2160932 (VCV002160932.4), dbSNP rs745506485, ClinGen allele CA9810217.